The following is an entry in ClinVar:

ClinVar aggregate classification (germline): Uncertain significance. Review status: criteria provided, multiple submitters, no conflicts (2 of 4 stars). 4 submissions from 4 submitters: Uncertain significance (4). Last evaluated 2025-07-27.

Conditions:
Juvenile myelomonocytic leukemia (JMML). Also called: LEUKEMIA, JUVENILE MYELOMONOCYTIC, SOMATIC. Identifiers: Orphanet 86834, MedGen C0349639, MONDO:0011908, OMIM 607785, HP:0012209.
CBL-related disorder. Also called: NOONAN SYNDROME-LIKE DISORDER WITHOUT JUVENILE MYELOMONOCYTIC LEUKEMIA; CBL MUTATION-ASSOCIATED SYNDROME; CBL SYNDROME. Identifiers: Orphanet 363972, MedGen C3150803, MONDO:0013308, OMIM 613563.
RASopathy. Also called: rasopathies; Noonan spectrum disorder. Identifiers: Orphanet 536391, MedGen C5555857, MONDO:0021060.

Submissions (4):

Labcorp Genetics (formerly Invitae), Labcorp
Classification: Uncertain significance for RASopathy. Last evaluated: 2025-07-27. Review status: criteria provided, single submitter. Criteria: Invitae Variant Classification Sherloc (09022015). Collection method: clinical testing. Allele origin: germline.
Comment: This sequence change replaces proline, which is neutral and non-polar, with glutamine, which is neutral and polar, at codon 433 of the CBL protein (p.Pro433Gln). This variant is not present in population databases (gnomAD no frequency). This variant has not been reported in the literature in individuals affected with CBL-related conditions. ClinVar contains an entry for this variant (Variation ID: 1337135). Invitae Evidence Modeling of protein sequence and biophysical properties (such as structural, functional, and spatial information, amino acid conservation, physicochemical variation, residue mobility, and thermodynamic stability) has been performed for this missense variant. However, the output from this modeling did not meet the statistical confidence thresholds required to predict the impact of this variant on CBL protein function. In summary, the available evidence is currently insufficient to determine the role of this variant in disease. Therefore, it has been classified as a Variant of Uncertain Significance.

Greenwood Genetic Center Diagnostic Laboratories, Greenwood Genetic Center
Classification: Uncertain significance. Last evaluated: 2022-09-26. Review status: criteria provided, single submitter. Criteria: ACMG Guidelines, 2015. Collection method: clinical testing. Allele origin: germline. Affected: yes.
Comment: PM2

Fulgent Genetics
Classification: Uncertain significance for Juvenile myelomonocytic leukemia; CBL-related disorder. Last evaluated: 2021-07-28. Review status: criteria provided, single submitter. Criteria: ACMG Guidelines, 2015. Collection method: clinical testing. Allele origin: unknown.

Genetic Services Laboratory, University of Chicago
Classification: Uncertain significance. Last evaluated: 2019-04-24. Review status: criteria provided, single submitter. Criteria: ACMG Guidelines, 2015. Collection method: clinical testing. Allele origin: germline. Affected: no.

NM_005188.4(CBL):c.1298C>A (p.Pro433Gln)

Gene: CBL (Cbl proto-oncogene; plus strand). Cytogenetic location: 11q23.3.
Variant type: single nucleotide variant.
Coding change: c.1298C>A on transcript NM_005188.4 (MANE Select); coding-DNA position 1298, C replaced by A.
Protein change: p.Pro433Gln; replaces proline 433 with glutamine.
Molecular consequence: missense variant.
Genome position (GRCh38, 1-based): chr11:119,278,580, C>A. VCF-style: chr11-119278580-C-A. GRCh37 (hg19) VCF-style: chr11-119149290-C-A.
Other names: short protein forms P433Q.
Identifiers: ClinVar variation 1337135 (VCV001337135.15), dbSNP rs140627020, ClinGen allele CA229662014.